The following is an entry in ClinVar:

NM_000355.4(TCN2):c.308G>A (p.Gly103Asp)

Gene: TCN2 (transcobalamin 2; plus strand). Cytogenetic location: 22q12.2.
Variant type: single nucleotide variant.
Coding change: c.308G>A on transcript NM_000355.4 (MANE Select); coding-DNA position 308, G replaced by A.
Protein change: p.Gly103Asp; replaces glycine 103 with aspartic acid.
Molecular consequence: missense variant.
Genome position (GRCh38, 1-based): chr22:30,612,923, G>A. VCF-style: chr22-30612923-G-A. GRCh37 (hg19) VCF-style: chr22-31008910-G-A.
Other names: c.308G>A, p.Gly103Asp (NM_001184726.2); short protein forms G103D.
Identifiers: ClinVar variation 2104954 (VCV002104954.4), dbSNP rs2517903391, ClinGen allele CA411208353.
Genomic context (GRCh38, chr22:30,612,923, plus strand): 5'-CTTGTCCTAGGTCTGCCTTCAGCGAGGATGACGGTGACTGCCAGGGCAAGCCTTCCATGG[G>A]CCAGCTGGCCCTCTACCTGCTCGCTCTCAGAGCCAACTGTGAGTTTGTCAGGGGCCACAA-3'
Protein context (NP_000346.2, residues 93-113): DGDCQGKPSM[Gly103Asp]QLALYLLALR

ClinVar aggregate classification (germline): Uncertain significance (1 of 4 stars; one submission).

Conditions:
Transcobalamin II deficiency (TCN2D). Also called: Transcolabamin II deficiency; TC II DEFICIENCY; TCN2 DEFICIENCY. Identifiers: Orphanet 859, MedGen C0342701, MONDO:0010149, OMIM 275350.

Submission:

Labcorp Genetics (formerly Invitae), Labcorp
Classification: Uncertain significance for Transcobalamin II deficiency. Last evaluated: 2022-03-07. Review status: criteria provided, single submitter. Criteria: Invitae Variant Classification Sherloc (09022015). Collection method: clinical testing. Allele origin: germline.
Comment: Algorithms developed to predict the effect of missense changes on protein structure and function (SIFT, PolyPhen-2, Align-GVGD) all suggest that this variant is likely to be disruptive. This variant has not been reported in the literature in individuals affected with TCN2-related conditions. This variant is not present in population databases (gnomAD no frequency). This sequence change replaces glycine, which is neutral and non-polar, with aspartic acid, which is acidic and polar, at codon 103 of the TCN2 protein (p.Gly103Asp). In summary, the available evidence is currently insufficient to determine the role of this variant in disease. Therefore, it has been classified as a Variant of Uncertain Significance.